The following is an entry in ClinVar:

ClinVar aggregate classification (germline): Uncertain significance (1 of 4 stars; one submission).

Conditions:
Hereditary cancer-predisposing syndrome. Also called: Neoplastic Syndromes, Hereditary; Tumor predisposition; Hereditary neoplastic syndrome; Hereditary Cancer Syndrome. Identifiers: Orphanet 140162, MedGen C0027672, MeSH D009386, MONDO:0015356.

Submission:

Ambry Genetics
Classification: Uncertain significance for Hereditary cancer-predisposing syndrome. Last evaluated: 2025-02-21. Review status: criteria provided, single submitter. Criteria: Ambry Variant Classification Scheme 2023. Collection method: clinical testing. Allele origin: germline.
Comment: The c.1386_1388delCCGinsTCA variant (also known as p.R463H), located in coding exon 5 of the AXIN2 gene, results from an in-frame deletion of CCG and insertion of TCA at nucleotide positions 1386 to 1388. This results in the substitution of the arginine residue for a histidine residue at codon 463, an amino acid with highly similar properties. This amino acid position is well conserved in available vertebrate species. In addition, this alteration is predicted to be inconclusive by in silico analysis. Since supporting evidence is limited at this time, the clinical significance of this alteration remains unclear.

NM_004655.4(AXIN2):c.1386_1388delinsTCA (p.Arg463His)

Gene: AXIN2 (axin 2; minus strand). Cytogenetic location: 17q24.1.
Variant type: Indel.
Coding change: c.1386_1388delinsTCA on transcript NM_004655.4 (MANE Select); coding-DNA positions 1386 to 1388, CCG replaced by TCA.
Protein change: p.Arg463His; replaces arginine 463 with histidine.
Molecular consequence: missense variant.
Genome position (GRCh38, 1-based): chr17:65,537,648-65,537,650, CGG replaced by TGA on the plus strand (CCG replaced by TCA on the coding strand, the reverse complement: AXIN2 is on the minus strand). VCF-style: chr17-65537648-CGG-TGA. GRCh37 (hg19) VCF-style: chr17-63533766-CGG-TGA.
Other names: c.1386_1388delinsTCA, p.Arg463His (NM_001363813.1); short protein forms R463H.
Identifiers: ClinVar variation 2451639 (VCV002451639.3), dbSNP rs2509415671, ClinGen allele CA2580094985.